The following is an entry in ClinVar:

ClinVar aggregate classification (germline): Likely benign (0 of 4 stars; one submission).

Conditions:
PKD1-related disorder. Also called: PKD1-related condition.

Allele frequency attached by ClinVar (database versions not stated): gnomAD exomes 0.00002; gnomAD 0.00005; TOPMed 0.00005.
gnomAD v4.1: 27 of 1,528,410 alleles (0.0018%); highest among the groups gnomAD compares: Admixed American, 0.026%; no homozygotes.

Submission:

PreventionGenetics, part of Exact Sciences
Classification: Likely benign for PKD1-related condition. Last evaluated: 2019-05-29. Review status: no assertion criteria provided. Collection method: clinical testing. Allele origin: germline.
Comment: This variant is classified as likely benign based on ACMG/AMP sequence variant interpretation guidelines (Richards et al. 2015 PMID: 25741868, with internal and published modifications).

NM_001009944.3(PKD1):c.11848C>T (p.Leu3950=)

Gene: PKD1 (polycystin 1, transient receptor potential channel interacting; minus strand). Cytogenetic location: 16p13.3.
Variant type: single nucleotide variant.
Coding change: c.11848C>T on transcript NM_001009944.3 (MANE Select); coding-DNA position 11848, C replaced by T.
Protein change: p.Leu3950=; no amino-acid change (leucine 3950 retained).
Molecular consequence: synonymous variant.
Genome position (GRCh38, 1-based): chr16:2,091,039, G>A on the plus strand (C>T on the coding strand, the complement: PKD1 is on the minus strand). VCF-style: chr16-2091039-G-A. GRCh37 (hg19) VCF-style: chr16-2141040-G-A.
Other names: c.11845C>T, p.Leu3949= (NM_000296.4).
Identifiers: ClinVar variation 3039918 (VCV003039918.2), dbSNP rs1450142696, ClinGen allele CA493044543.
Genomic context (GRCh38, chr16:2,091,039, plus strand): 5'-GGCCGCGCACGAAACGGGTCCACTGGCGGTCAGCGGCACCCAGCTGGGCGAGGCGTACCA[G>A]TGCCGTGGCCGCCGTCAGCGCCACCAGCAGCCACCGCGCCCAGGCTCCGAGCCGCAGCAC-3'
Protein context (NP_001009944.3, residues 3940-3960): LLVALTAATA[Leu3950=]VRLAQLGAAD